The following is an entry in ClinVar:

ClinVar aggregate classification (germline): Pathogenic (1 of 4 stars; one submission).

Conditions:
Fabry disease. Also called: Fabry's disease; ALPHA-GALACTOSIDASE A DEFICIENCY; ANDERSON-FABRY DISEASE; CERAMIDE TRIHEXOSIDASE DEFICIENCY; GLA DEFICIENCY; HEREDITARY DYSTOPIC LIPIDOSIS. Identifiers: Orphanet 324, MedGen C0002986, MONDO:0010526, OMIM 301500, HP:0001071. Disease mechanism: Fabry disease is due to inactivating mutations in the X-linked GLA gene resulting in deficiency of the enzyme Alpha Galactosidase-A., loss of function.

Submission:

Genomenon, Inc
Classification: Pathogenic for Fabry disease. Last evaluated: 2026-09-08. Review status: criteria provided, single submitter. Criteria: Genomenon Sequence Variant Interpretation Standards - Updated. Collection method: curation. Allele origin: germline. Affected: yes.
Comment: GLA p.Lys237Ter (c.709A>T) is a nonsense variant that introduces a premature stop codon at amino acid position 237 and is predicted to result in a truncated or absent protein product. This variant has been observed in at least one proband with clinical features consistent with Fabry disease (PMID:22551898). Functional or patient cell studies have been reported (PMID:22551898). It is absent or not present at a significant frequency in gnomAD. In conclusion, we classify GLA p.Lys237Ter (c.709A>T) as a pathogenic variant.

Literature cited by the submitters: PubMed 22551898.

NM_000169.3(GLA):c.709A>T (p.Lys237Ter)

Genes: GLA (galactosidase alpha; minus strand), RPL36A-HNRNPH2 (RPL36A-HNRNPH2 readthrough; plus strand). Cytogenetic location: Xq22.1.
Variant type: single nucleotide variant.
Coding change: c.709A>T on transcript NM_000169.3 (MANE Select); coding-DNA position 709, A replaced by T.
Protein change: p.Lys237Ter; replaces lysine 237 with a stop codon.
Molecular consequence: nonsense. On other transcripts: non-coding transcript variant (3), intron variant (2).
Genome position (GRCh38, 1-based): chrX:101,398,877, T>A on the plus strand (A>T on the coding strand, the complement: GLA is on the minus strand). VCF-style: chrX-101398877-T-A. GRCh37 (hg19) VCF-style: chrX-100653865-T-A.
Other names: c.832A>T, p.Lys278Ter (NM_001406747.1); c.709A>T, p.Lys237Ter (NM_001406748.1); c.300+3420T>A (NM_001199973.2); c.177+7055T>A (NM_001199974.2); short protein forms K237*, K278*.
Identifiers: ClinVar variation 4974914 (VCV004974914.1).